The following is an entry in ClinVar:

ClinVar aggregate classification (germline): Likely benign. Review status: criteria provided, single submitter (1 of 4 stars). 2 submissions from 2 submitters: Likely benign (1). 1 of the submissions does not count toward it. Last evaluated 2024-11-08.

Conditions:
SCRIB-related disorder. Also called: SCRIB-related condition.

Allele frequency attached by ClinVar (database versions not stated): 1000 Genomes Project 30x 0.00047; 1000 Genomes Project 0.00060; gnomAD 0.00064; ESP Exome Variant Server 0.00069; ExAC 0.00074.
gnomAD v4.1: 1,070 of 1,511,112 alleles (0.071%); highest among the groups gnomAD compares: Middle Eastern, 0.25%; no homozygotes.

Submissions (2):

Blueprint Genetics
Classification: Likely benign. Last evaluated: 2024-11-08. Review status: criteria provided, single submitter. Criteria: ACMG Guidelines, 2015. Collection method: clinical testing. Allele origin: germline.

PreventionGenetics, part of Exact Sciences
Classification: Likely benign for SCRIB-related condition. Last evaluated: 2019-02-20. Review status: no assertion criteria provided. Collection method: clinical testing. Allele origin: germline. Not counted in ClinVar's aggregate classification.
Comment: This variant is classified as likely benign based on ACMG/AMP sequence variant interpretation guidelines (Richards et al. 2015 PMID: 25741868, with internal and published modifications).

NM_182706.5(SCRIB):c.2103G>A (p.Ala701=)

Gene: SCRIB (scribble planar cell polarity protein; minus strand). Cytogenetic location: 8q24.3.
Variant type: single nucleotide variant.
Coding change: c.2103G>A on transcript NM_182706.5 (MANE Select); coding-DNA position 2103, G replaced by A.
Protein change: p.Ala701=; no amino-acid change (alanine 701 retained).
Molecular consequence: synonymous variant.
Genome position (GRCh38, 1-based): chr8:143,808,621, C>T on the plus strand (G>A on the coding strand, the complement: SCRIB is on the minus strand). VCF-style: chr8-143808621-C-T. GRCh37 (hg19) VCF-style: chr8-144890791-C-T.
Other names: c.2103G>A, p.Ala701= (NM_015356.5).
Identifiers: ClinVar variation 3060750 (VCV003060750.3), dbSNP rs145142316, ClinGen allele CA187608969.
Genomic context (GRCh38, chr8:143,808,621, plus strand): 5'-GGAGGGCCAGGGGAATCTGGGTCAGGCAGGGGTGAGGCTGACACCAACCTTGACAGAGGG[C>T]GCAGAAACCACGGCCCCCTCCTTGTCCTCCTCCTCAGTGCTGGCCTCTTCCTCTTCAGCC-3'
Protein context (NP_874365.3, residues 691-711): EEDKEGAVVS[Ala701=]PSVKGVSFDQ